The following is an entry in ClinVar:

ClinVar aggregate classification (germline): Uncertain significance (1 of 4 stars; one submission).

Submission:

GeneDx
Classification: Uncertain significance. Last evaluated: 2025-01-12. Review status: criteria provided, single submitter. Criteria: GeneDx Variant Classification Process June 2021. Collection method: clinical testing. Allele origin: germline. Affected: yes.
Comment: Not observed at significant frequency in large population cohorts (gnomAD); In silico analysis supports that this missense variant has a deleterious effect on protein structure/function; Has not been previously published as pathogenic or benign to our knowledge

NM_001039591.3(USP9X):c.7135C>T (p.His2379Tyr)

Gene: USP9X (ubiquitin specific peptidase 9 X-linked; plus strand). Cytogenetic location: Xp11.4.
Variant type: single nucleotide variant.
Coding change: c.7135C>T on transcript NM_001039591.3 (MANE Select); coding-DNA position 7135, C replaced by T.
Protein change: p.His2379Tyr; replaces histidine 2379 with tyrosine.
Molecular consequence: missense variant.
Genome position (GRCh38, 1-based): chrX:41,229,326, C>T. VCF-style: chrX-41229326-C-T. GRCh37 (hg19) VCF-style: chrX-41088579-C-T.
Other names: c.7135C>T, p.His2379Tyr (NM_001039590.3); c.7150C>T, p.His2384Tyr (NM_001410748.1, NM_001410749.1); short protein forms H2379Y, H2384Y.
Identifiers: ClinVar variation 4057173 (VCV004057173.1).
Genomic context (GRCh38, chrX:41,229,326, plus strand): 5'-CTGAAAGGAATTCCAGATGACCGAGATGGGCTGTTTGACACAATCCAGCGCTCTAAGAAT[C>T]ACTATCAAAAAAGAGCATACCAGTGTATAAAATGTATGGTAGCTCTATTTAGTAACTGTC-3'
Protein context (NP_001034680.2, residues 2369-2389): LFDTIQRSKN[His2379Tyr]YQKRAYQCIK